The following is an entry in ClinVar:

ClinVar aggregate classification (germline): Uncertain significance. Review status: criteria provided, multiple submitters, no conflicts (2 of 4 stars). 2 submissions from 2 submitters: Uncertain significance (2). Last evaluated 2026-04-17.

Conditions:
GM1 gangliosidosis. Identifiers: Orphanet 354, MedGen C0085131, MONDO:0018149.
Mucopolysaccharidosis, MPS-IV-B (MPS4B). Also called: Mucopolysaccharidosis type 4B; MORQUIO SYNDROME B; Mucopolysaccharidosis Type IVB; Mucopolysaccharidosis Type IVB (Morquio B Disease); Mucopolysaccharidosis type IVB (Morquio); MPS IVB. Identifiers: Orphanet 309310, Orphanet 582, MedGen C0086652, MONDO:0009660, OMIM 253010.

Allele frequency attached by ClinVar (database versions not stated): gnomAD exomes below 0.00001 and 0.00001.
gnomAD v4.1: 2 of 1,613,970 alleles (0.00012%); highest among the groups gnomAD compares: Admixed American, 0.0033%; no homozygotes.

Submissions (2):

GeneDx
Classification: Uncertain significance. Last evaluated: 2026-04-17. Review status: criteria provided, single submitter. Criteria: GeneDx Variant Classification Process June 2021. Collection method: clinical testing. Allele origin: germline.
Comment: Not observed at significant frequency in large population cohorts (gnomAD); In silico analysis supports that this missense variant has a deleterious effect on protein structure/function; Has not been previously published as pathogenic or benign to our knowledge; This variant is associated with the following publications: (PMID: 25936995)

Labcorp Genetics (formerly Invitae), Labcorp
Classification: Uncertain significance for Mucopolysaccharidosis, MPS-IV-B; GM1 gangliosidosis. Last evaluated: 2021-09-01. Review status: criteria provided, single submitter. Criteria: Invitae Variant Classification Sherloc (09022015). Collection method: clinical testing. Allele origin: germline.
Comment: This sequence change replaces glycine with glutamic acid at codon 414 of the GLB1 protein (p.Gly414Glu). The glycine residue is highly conserved and there is a moderate physicochemical difference between glycine and glutamic acid. This variant is not present in population databases (ExAC no frequency). This variant has not been reported in the literature in individuals affected with GLB1-related conditions. Advanced modeling of protein sequence and biophysical properties (such as structural, functional, and spatial information, amino acid conservation, physicochemical variation, residue mobility, and thermodynamic stability) performed at Invitae indicates that this missense variant is expected to disrupt GLB1 protein function. In summary, the available evidence is currently insufficient to determine the role of this variant in disease. Therefore, it has been classified as a Variant of Uncertain Significance.

NM_000404.4(GLB1):c.1241G>A (p.Gly414Glu)

Gene: GLB1 (galactosidase beta 1; minus strand). Cytogenetic location: 3p22.3.
Variant type: single nucleotide variant.
Coding change: c.1241G>A on transcript NM_000404.4 (MANE Select); coding-DNA position 1241, G replaced by A.
Protein change: p.Gly414Glu; replaces glycine 414 with glutamic acid.
Molecular consequence: missense variant.
Genome position (GRCh38, 1-based): chr3:33,018,554, C>T on the plus strand (G>A on the coding strand, the complement: GLB1 is on the minus strand). VCF-style: chr3-33018554-C-T. GRCh37 (hg19) VCF-style: chr3-33060046-C-T.
Other names: c.1151G>A, p.Gly384Glu (NM_001079811.3); c.1241G>A (NM_000404.2); c.848G>A, p.Gly283Glu (NM_001135602.3); c.1385G>A, p.Gly462Glu (NM_001317040.2); c.1241G>A, p.Gly414Glu (NM_001393580.1); short protein forms G414E, G462E, G384E, G283E.
Identifiers: ClinVar variation 1388621 (VCV001388621.6), dbSNP rs1399147380, ClinGen allele CA351992637.
Genomic context (GRCh38, chr3:33,018,554, plus strand): 5'-GAAGAGAGAGGTGCTGGGTTGCTGCAATCTTGAGGAAGTGTTGTCCGGTACAGCACAAAC[C>T]CATAATGCTGGTTAGAAAAGGATTTAAGAAAAATACATCACTATTGCCATTCATTTAGAG-3'
Protein context (NP_000395.3, residues 404-424): LTFIQVKQHY[Gly414Glu]FVLYRTTLPQ